The following is an entry in ClinVar:

ClinVar aggregate classification (germline): Uncertain significance (1 of 4 stars; one submission).

Conditions:
Cardiovascular phenotype. Identifiers: MedGen CN230736.

Submission:

Ambry Genetics
Classification: Uncertain significance for Cardiovascular phenotype. Last evaluated: 2026-04-20. Review status: criteria provided, single submitter. Criteria: Ambry Variant Classification Scheme 2023. Collection method: clinical testing. Allele origin: germline.
Comment: The p.C3149R variant (also known as c.9445T>C), located in coding exon 2 of the ZNF469 gene, results from a T to C substitution at nucleotide position 9445. The cysteine at codon 3149 is replaced by arginine, an amino acid with highly dissimilar properties. This amino acid position is conserved. In addition, the in silico prediction for this alteration is inconclusive. Based on the available evidence, the clinical significance of this variant remains unclear.

NM_001367624.2(ZNF469):c.9529T>C (p.Cys3177Arg)

Gene: ZNF469 (zinc finger protein 469; plus strand). Cytogenetic location: 16q24.2.
Variant type: single nucleotide variant.
Coding change: c.9529T>C on transcript NM_001367624.2 (MANE Select); coding-DNA position 9529, T replaced by C.
Protein change: p.Cys3177Arg; replaces cysteine 3177 with arginine.
Molecular consequence: missense variant.
Genome position (GRCh38, 1-based): chr16:88,436,999, T>C. VCF-style: chr16-88436999-T-C. GRCh37 (hg19) VCF-style: chr16-88503407-T-C.
Other names: NM_001127464.1:c.9445T>C; short protein forms C3177R.
Identifiers: ClinVar variation 4866994 (VCV004866994.1).
Genomic context (GRCh38, chr16:88,436,999, plus strand): 5'-GAGCTGCTGCGGGGGCACCTGCAGGAGAGGCACGCGCAGAGCAAGGCCGGGCCCTGGGCG[T>C]GCGGCATGTGCCTGAAGGAGGTGGCCGACGTCTGGATGTACAACGAGCACCTGCGTGAGC-3'
Protein context (NP_001354553.1, residues 3167-3187): HAQSKAGPWA[Cys3177Arg]GMCLKEVADV